The following is an entry in ClinVar:

ClinVar aggregate classification (germline): Likely benign. Review status: criteria provided, multiple submitters, no conflicts (2 of 4 stars). 2 submissions from 2 submitters: Likely benign (2). Last evaluated 2025-06-24.

Conditions:
POLD1-related polyposis and colorectal cancer syndrome (CRCS10). Also called: Colorectal cancer 10; COLORECTAL CANCER, SUSCEPTIBILITY TO, ON CHROMOSOME 19q; Colorectal cancer, susceptibility to, 10. Identifiers: Orphanet 220460, MedGen C2675481, MONDO:0012953, OMIM 612591.

Allele frequency attached by ClinVar (database versions not stated): gnomAD exomes below 0.00001; gnomAD 0.00001; TOPMed 0.00001.
gnomAD v4.1: 6 of 1,568,300 alleles (0.00038%); highest among the groups gnomAD compares: Admixed American, 0.0018%; no homozygotes.

Submissions (2):

Labcorp Genetics (formerly Invitae), Labcorp
Classification: Likely benign for POLD1-related polyposis and colorectal cancer syndrome. Last evaluated: 2025-06-24. Review status: criteria provided, single submitter. Criteria: Invitae Variant Classification Sherloc (09022015). Collection method: clinical testing. Allele origin: germline.

Myriad Genetics, Inc.
Classification: Likely benign for POLD1-related polyposis and colorectal cancer syndrome. Last evaluated: 2025-02-06. Review status: criteria provided, single submitter. Criteria: Myriad Autosomal Dominant, Autosomal Recessive and X-Linked Classification Criteria (2023). Collection method: clinical testing. Allele origin: unknown.
Comment: This variant is considered likely benign. This variant is intronic and is not expected to impact mRNA splicing.

NM_002691.4(POLD1):c.1495-20C>T

Gene: POLD1 (DNA polymerase delta 1, catalytic subunit; plus strand). Cytogenetic location: 19q13.33.
Variant type: single nucleotide variant.
Coding change: c.1495-20C>T on transcript NM_002691.4 (MANE Select); 20 bases into the intron before coding-DNA position 1495, C replaced by T.
Molecular consequence: intron variant.
Genome position (GRCh38, 1-based): chr19:50,406,963, C>T. VCF-style: chr19-50406963-C-T. GRCh37 (hg19) VCF-style: chr19-50910220-C-T.
Other names: c.1495-20C>T (NM_001256849.1, NM_001308632.1).
Identifiers: ClinVar variation 2048718 (VCV002048718.5), dbSNP rs1167354469, ClinGen allele CA633897699.
Genomic context (GRCh38, chr19:50,406,963, plus strand): 5'-CCCTGACCCCCACTTCCTTCTCCTGCTCCACCTCCCACCCCCAACCCCTGGTCCCTGACC[C>T]CATCCGTGCCCATCCCCAGAATGGGAACGACCAGACCCGCCGCCGCCTGGCTGTGTACTG-3'